The following is an entry in ClinVar:

ClinVar aggregate classification (germline): Uncertain significance (1 of 4 stars; one submission).

Allele frequency attached by ClinVar (database versions not stated): TOPMed 0.00002; gnomAD 0.00005 and 0.00006; ExAC 0.00008; gnomAD exomes 0.00012 and 0.00014.

Submission:

Labcorp Genetics (formerly Invitae), Labcorp
Classification: Uncertain significance. Last evaluated: 2022-11-26. Review status: criteria provided, single submitter. Criteria: Invitae Variant Classification Sherloc (09022015). Collection method: clinical testing. Allele origin: germline.
Comment: This variant is present in population databases (rs201302745, gnomAD 0.1%), and has an allele count higher than expected for a pathogenic variant. This sequence change replaces proline, which is neutral and non-polar, with threonine, which is neutral and polar, at codon 601 of the KLHL9 protein (p.Pro601Thr). This variant has not been reported in the literature in individuals affected with KLHL9-related conditions. ClinVar contains an entry for this variant (Variation ID: 1483542). Algorithms developed to predict the effect of missense changes on protein structure and function are either unavailable or do not agree on the potential impact of this missense change (SIFT: "Not Available"; PolyPhen-2: "Benign"; Align-GVGD: "Not Available"). In summary, the available evidence is currently insufficient to determine the role of this variant in disease. Therefore, it has been classified as a Variant of Uncertain Significance.

NM_018847.4(KLHL9):c.1801C>A (p.Pro601Thr)

Gene: KLHL9 (kelch like family member 9; minus strand). Cytogenetic location: 9p21.3.
Variant type: single nucleotide variant.
Coding change: c.1801C>A on transcript NM_018847.4 (MANE Select); coding-DNA position 1801, C replaced by A.
Protein change: p.Pro601Thr; replaces proline 601 with threonine.
Molecular consequence: missense variant.
Genome position (GRCh38, 1-based): chr9:21,333,059, G>T on the plus strand (C>A on the coding strand, the complement: KLHL9 is on the minus strand). VCF-style: chr9-21333059-G-T. GRCh37 (hg19) VCF-style: chr9-21333058-G-T.
Other names: short protein forms P601T.
Identifiers: ClinVar variation 1483542 (VCV001483542.6), dbSNP rs201302745, ClinGen allele CA5010470.